The following is an entry in ClinVar:

NM_001277115.2(DNAH11):c.9602A>G (p.Asn3201Ser)

Gene: DNAH11 (dynein axonemal heavy chain 11; plus strand). Cytogenetic location: 7p15.3.
Variant type: single nucleotide variant.
Coding change: c.9602A>G on transcript NM_001277115.2 (MANE Select); coding-DNA position 9602, A replaced by G.
Protein change: p.Asn3201Ser; replaces asparagine 3201 with serine.
Molecular consequence: missense variant.
Genome position (GRCh38, 1-based): chr7:21,786,628, A>G. VCF-style: chr7-21786628-A-G. GRCh37 (hg19) VCF-style: chr7-21826246-A-G.
Other names: c.9602A>G (NM_001277115.1); short protein forms N3201S.
Identifiers: ClinVar variation 1415172 (VCV001415172.8), dbSNP rs762025592, ClinGen allele CA4182053.

ClinVar aggregate classification (germline): Conflicting classifications of pathogenicity. Review status: criteria provided, conflicting classifications (1 of 4 stars). 2 submissions from 2 submitters: Uncertain significance (1); Likely benign (1). Last evaluated 2026-01-19.

Conditions:
Primary ciliary dyskinesia. Also called: Ciliary dyskinesia. Identifiers: Orphanet 244, MedGen C0008780, MONDO:0016575, HP:0012265.

Allele frequency attached by ClinVar (database versions not stated): TOPMed 0.00007.
gnomAD v4.1: 12 of 1,611,638 alleles (0.00074%); highest among the groups gnomAD compares: Admixed American, 0.005%; no homozygotes.

Submissions (2):

Labcorp Genetics (formerly Invitae), Labcorp
Classification: Likely benign for Primary ciliary dyskinesia. Last evaluated: 2026-01-19. Review status: criteria provided, single submitter. Criteria: Invitae Variant Classification Sherloc (09022015). Collection method: clinical testing. Allele origin: germline.

Ambry Genetics
Classification: Uncertain significance for Primary ciliary dyskinesia. Last evaluated: 2023-07-29. Review status: criteria provided, single submitter. Criteria: Ambry Variant Classification Scheme 2023. Collection method: clinical testing. Allele origin: germline.
Comment: The p.N3201S variant (also known as c.9602A>G), located in coding exon 59 of the DNAH11 gene, results from an A to G substitution at nucleotide position 9602. The asparagine at codon 3201 is replaced by serine, an amino acid with highly similar properties. This amino acid position is conserved. In addition, this alteration is predicted to be tolerated by in silico analysis. Since supporting evidence is limited at this time, the clinical significance of this alteration remains unclear.